The following is an entry in ClinVar:

ClinVar aggregate classification (germline): Uncertain significance (1 of 4 stars; one submission).

Conditions:
Neuronal ceroid lipofuscinosis. Also called: Neuronal Ceroid Lipofuscinoses. Identifiers: Orphanet 216, Orphanet 79263, MedGen C0027877, MONDO:0016295. Disease mechanism: loss of function.

Allele frequency attached by ClinVar (database versions not stated): gnomAD exomes below 0.00001; ExAC 0.00001; gnomAD 0.00001; TOPMed 0.00002.
gnomAD v4.1: 7 of 1,614,092 alleles (0.00043%); highest among the groups gnomAD compares: African/African-American, 0.0053%; no homozygotes.

Submission:

Labcorp Genetics (formerly Invitae), Labcorp
Classification: Uncertain significance for Neuronal ceroid lipofuscinosis. Last evaluated: 2022-03-10. Review status: criteria provided, single submitter. Criteria: Invitae Variant Classification Sherloc (09022015). Collection method: clinical testing. Allele origin: germline.
Comment: This sequence change replaces alanine, which is neutral and non-polar, with valine, which is neutral and non-polar, at codon 266 of the CLN8 protein (p.Ala266Val). This variant is present in population databases (rs753799131, gnomAD 0.007%). This variant has not been reported in the literature in individuals affected with CLN8-related conditions. Advanced modeling of protein sequence and biophysical properties (such as structural, functional, and spatial information, amino acid conservation, physicochemical variation, residue mobility, and thermodynamic stability) performed at Invitae indicates that this missense variant is not expected to disrupt CLN8 protein function. In summary, the available evidence is currently insufficient to determine the role of this variant in disease. Therefore, it has been classified as a Variant of Uncertain Significance.

NM_018941.4(CLN8):c.797C>T (p.Ala266Val)

Gene: CLN8 (CLN8 transmembrane ER and ERGIC protein; plus strand). Cytogenetic location: 8p23.3.
Variant type: single nucleotide variant.
Coding change: c.797C>T on transcript NM_018941.4 (MANE Select); coding-DNA position 797, C replaced by T.
Protein change: p.Ala266Val; replaces alanine 266 with valine.
Molecular consequence: missense variant.
Genome position (GRCh38, 1-based): chr8:1,780,503, C>T. VCF-style: chr8-1780503-C-T. GRCh37 (hg19) VCF-style: chr8-1728669-C-T.
Other names: short protein forms A266V.
Identifiers: ClinVar variation 2414652 (VCV002414652.4), dbSNP rs753799131, ClinGen allele CA4599355.